The following is an entry in ClinVar:

ClinVar aggregate classification (germline): Uncertain significance (1 of 4 stars; one submission).

Submission:

Labcorp Genetics (formerly Invitae), Labcorp
Classification: Uncertain significance. Last evaluated: 2025-10-26. Review status: criteria provided, single submitter. Criteria: Invitae Variant Classification Sherloc (09022015). Collection method: clinical testing. Allele origin: germline.
Comment: This sequence change replaces arginine, which is basic and polar, with glutamine, which is neutral and polar, at codon 241 of the RELB protein (p.Arg241Gln). This variant is present in population databases (rs755747339, gnomAD 0.01%). This variant has not been reported in the literature in individuals affected with RELB-related conditions. An algorithm developed to predict the effect of missense changes on protein structure and function (PolyPhen-2) suggests that this variant is likely to be tolerated. In summary, the available evidence is currently insufficient to determine the role of this variant in disease. Therefore, it has been classified as a Variant of Uncertain Significance.

NM_006509.4(RELB):c.722G>A (p.Arg241Gln)

Gene: RELB (RELB proto-oncogene, NF-kB subunit; plus strand). Cytogenetic location: 19q13.32.
Variant type: single nucleotide variant.
Coding change: c.722G>A on transcript NM_006509.4 (MANE Select); coding-DNA position 722, G replaced by A.
Protein change: p.Arg241Gln; replaces arginine 241 with glutamine.
Molecular consequence: missense variant.
Genome position (GRCh38, 1-based): chr19:45,025,388, G>A. VCF-style: chr19-45025388-G-A. GRCh37 (hg19) VCF-style: chr19-45528646-G-A.
Other names: c.713G>A, p.Arg238Gln (NM_001411087.1); short protein forms R241Q, R238Q.
Identifiers: ClinVar variation 4693016 (VCV004693016.1).